The following is an entry in ClinVar:

NM_024675.3:c.(3201+1_3202-1)_(*297+?)dup

Gene: PALB2 (partner and localizer of BRCA2; minus strand).
Variant type: Duplication.
Identifiers: ClinVar variation 1065555 (VCV001065555.1).

ClinVar aggregate classification (germline): Uncertain significance (1 of 4 stars; one submission).

Conditions:
Hereditary cancer-predisposing syndrome. Also called: Hereditary Cancer Syndrome; Hereditary neoplastic syndrome; Neoplastic Syndromes, Hereditary; Tumor predisposition. Identifiers: Orphanet 140162, MedGen C0027672, MeSH D009386, MONDO:0015356.

Submission:

Ambry Genetics
Classification: Uncertain significance for Hereditary cancer-predisposing syndrome. Last evaluated: 2020-03-02. Review status: criteria provided, single submitter. Criteria: Ambry Autosomal Dominant and X-Linked criteria (2/2020). Collection method: clinical testing. Allele origin: germline. Observed: 1 variant allele.
Comment: The EX12_13dup gross duplication spans coding exons 12 through 13 in the PALB2 gene; however, the exact breakpoints of the duplication were not determined. Gene duplications would be anticipated to disrupt gene function; however, it is unclear whether this duplication is disruptive to the PALB2 gene. It is unknown if this duplication is located adjacent to the original PALB2 gene, or if it is located elsewhere in the genome (Mazzarella R and Schlessinger D. Genome Res. 1998 Oct;8:1007-21). Since supporting evidence is limited at this time, the clinical significance of this alteration remains unclear.